The following is an entry in ClinVar:

ClinVar aggregate classification (germline): Uncertain significance (1 of 4 stars; one submission).

Allele frequency attached by ClinVar (database versions not stated): TOPMed below 0.00001.

Submission:

Labcorp Genetics (formerly Invitae), Labcorp
Classification: Uncertain significance. Last evaluated: 2025-04-12. Review status: criteria provided, single submitter. Criteria: Invitae Variant Classification Sherloc (09022015). Collection method: clinical testing. Allele origin: germline.
Comment: This sequence change replaces proline, which is neutral and non-polar, with leucine, which is neutral and non-polar, at codon 49 of the TFAP2A protein (p.Pro49Leu). This variant is not present in population databases (gnomAD no frequency). This variant has not been reported in the literature in individuals affected with TFAP2A-related conditions. ClinVar contains an entry for this variant (Variation ID: 2738202). Invitae Evidence Modeling of protein sequence and biophysical properties (such as structural, functional, and spatial information, amino acid conservation, physicochemical variation, residue mobility, and thermodynamic stability) indicates that this missense variant is not expected to disrupt TFAP2A protein function with a negative predictive value of 80%. In summary, the available evidence is currently insufficient to determine the role of this variant in disease. Therefore, it has been classified as a Variant of Uncertain Significance.

NM_001372066.1(TFAP2A):c.152C>T (p.Pro51Leu)

Gene: TFAP2A (transcription factor AP-2 alpha; minus strand). Cytogenetic location: 6p24.3.
Variant type: single nucleotide variant.
Coding change: c.152C>T on transcript NM_001372066.1 (MANE Select); coding-DNA position 152, C replaced by T.
Protein change: p.Pro51Leu; replaces proline 51 with leucine.
Molecular consequence: missense variant.
Genome position (GRCh38, 1-based): chr6:10,410,235, G>A on the plus strand (C>T on the coding strand, the complement: TFAP2A is on the minus strand). VCF-style: chr6-10410235-G-A. GRCh37 (hg19) VCF-style: chr6-10410468-G-A.
Other names: c.128C>T, p.Pro43Leu (NM_001032280.3); c.134C>T, p.Pro45Leu (NM_001042425.3); short protein forms P43L, P45L, P51L.
Identifiers: ClinVar variation 2738202 (VCV002738202.3), dbSNP rs761863117, ClinGen allele CA3631399.
Genomic context (GRCh38, chr6:10,410,235, plus strand): 5'-GACTGGGGGTAGATAGGCTGGTAGGGTGGGGGGAAGTATGGGGGCTGGAAGTCGGCATTG[G>A]GGGTGTGGGACAGCGGCGGGGCGCTCGTGTAGGGAGATTGACCTACAGTGCCCAGCTGGG-3'
Protein context (NP_001358995.1, residues 41-61): YTSAPPLSHT[Pro51Leu]NADFQPPYFP